The following is an entry in ClinVar:

NM_007294.4(BRCA1):c.1378dup (p.Ile460fs)

Gene: BRCA1 (BRCA1 DNA repair associated; minus strand). Cytogenetic location: 17q21.31.
Variant type: Duplication.
Coding change: c.1378dup on transcript NM_007294.4 (MANE Select); coding-DNA position 1378, one base duplicated (A; older notation c.1378dupA).
Protein change: p.Ile460fs; shifts the reading frame from isoleucine 460.
Molecular consequence: frameshift variant. On other transcripts: intron variant (137).
Genome position (GRCh38, 1-based): chr17:43,094,153, T duplicated on the plus strand (A on the coding strand, the reverse complement: BRCA1 is on the minus strand); the first of 4 consecutive T bases (chr17:43,094,153-43,094,156); duplicating any one gives the same sequence. VCF-style (leftmost placement, unchanged base first): chr17-43094152-A-AT. GRCh37 (hg19) VCF-style: chr17-41246169-A-AT.
Other names: 1497insA; c.1378dup, p.Ile460fs (NM_007294.3, NM_001407581.1, NM_001407582.1 and 31 more transcripts); c.1165dup, p.Ile389fs (NM_001407571.1, NM_001407853.1, NM_001407894.1 and 9 more transcripts); c.1375dup, p.Ile459fs (NM_001407587.1, NM_001407590.1, NM_001407591.1 and 22 more transcripts); c.1369dup, p.Ile457fs (NM_001407646.1, NM_001407647.1); c.1255dup, p.Ile419fs (NM_001407648.1, NM_001407665.1, NM_001407666.1 and 19 more transcripts); c.1252dup, p.Ile418fs (NM_001407649.1, NM_001407670.1, NM_001407671.1 and 11 more transcripts); c.1300dup, p.Ile434fs (NM_001407653.1, NM_001407654.1, NM_001407655.1 and 4 more transcripts); and 42 more; short protein forms I413fs, I460fs, I389fs, I418fs, I433fs, I372fs, I392fs, I459fs.
Identifiers: ClinVar variation 266162 (VCV000266162.11), dbSNP rs398122633, ClinGen allele CA10589942.

ClinVar aggregate classification (germline): Pathogenic. Review status: reviewed by expert panel (3 of 4 stars). 4 submissions from 4 submitters: Pathogenic (1). 3 of the submissions do not count toward it. Last evaluated 2016-10-18.

Conditions:
Hereditary breast ovarian cancer syndrome. Also called: Hereditary breast and ovarian cancer syndrome (HBOC); Breast and ovarian cancer; Hereditary breast and ovarian cancer syndrome; Hereditary breast and ovarian cancer; BRCA1- and BRCA2-Associated Hereditary Breast and Ovarian Cancer; Hereditary breast and/or ovarian cancer syndrome. Identifiers: Orphanet 145, MedGen C0677776, MeSH D061325, MONDO:0003582. Disease mechanism: loss of function.
Breast-ovarian cancer, familial, susceptibility to, 1 (BROVCA1). Also called: BRCA1 Hereditary Breast and Ovarian Cancer; OVARIAN CANCER, SUSCEPTIBILITY TO. Identifiers: Orphanet 145, MedGen C2676676, MONDO:0011450, OMIM 604370. Disease mechanism: loss of function.
Hereditary cancer-predisposing syndrome. Also called: Hereditary Cancer Syndrome; Neoplastic Syndromes, Hereditary; Hereditary neoplastic syndrome; Tumor predisposition. Identifiers: Orphanet 140162, MedGen C0027672, MeSH D009386, MONDO:0015356.

Submissions (4):

Evidence-based Network for the Interpretation of Germline Mutant Alleles (ENIGMA)
Classification: Pathogenic for Breast-ovarian cancer, familial, susceptibility to, 1. Last evaluated: 2016-10-18. Review status: reviewed by expert panel. Criteria: ENIGMA BRCA1/2 Classification Criteria (2015). Collection method: curation. Allele origin: germline.
Comment: Variant allele predicted to encode a truncated non-functional protein.

Ambry Genetics
Classification: Pathogenic for Hereditary cancer-predisposing syndrome. Last evaluated: 2024-01-30. Review status: criteria provided, single submitter. Criteria: Ambry Variant Classification Scheme 2023. Collection method: clinical testing. Allele origin: germline. Not counted in ClinVar's aggregate classification.
Comment: The c.1378dupA pathogenic mutation, located in coding exon 9 of the BRCA1 gene, results from a duplication of A at nucleotide position 1378, causing a translational frameshift with a predicted alternate stop codon (p.I460Nfs*20). In a study of 1854 high-risk BR/OV cancer families in Italy, this alteration was detected in 1 family. (Azzollini J et al. Eur J Intern Med, 2016 Jul;32:65-71). This variant is considered to be rare based on population cohorts in the Genome Aggregation Database (gnomAD). In addition to the clinical data presented in the literature, this alteration is expected to result in loss of function by premature protein truncation or nonsense-mediated mRNA decay. As such, this alteration is interpreted as a disease-causing mutation.

Labcorp Genetics (formerly Invitae), Labcorp
Classification: Pathogenic for Hereditary breast ovarian cancer syndrome. Last evaluated: 2023-10-06. Review status: criteria provided, single submitter. Criteria: Invitae Variant Classification Sherloc (09022015). Collection method: clinical testing. Allele origin: germline. Not counted in ClinVar's aggregate classification.
Comment: This sequence change creates a premature translational stop signal (p.Ile460Asnfs*20) in the BRCA1 gene. It is expected to result in an absent or disrupted protein product. Loss-of-function variants in BRCA1 are known to be pathogenic (PMID: 20104584). This variant is not present in population databases (gnomAD no frequency). This premature translational stop signal has been observed in individual(s) with breast and/or ovarian cancer (PMID: 27062684). ClinVar contains an entry for this variant (Variation ID: 266162). For these reasons, this variant has been classified as Pathogenic.

Consortium of Investigators of Modifiers of BRCA1/2 (CIMBA), c/o University of Cambridge
Classification: Pathogenic for Breast-ovarian cancer, familial, susceptibility to, 1. Last evaluated: 2015-10-02. Review status: criteria provided, single submitter. Criteria: CIMBA Mutation Classification guidelines May 2016. Collection method: clinical testing. Allele origin: germline. Not counted in ClinVar's aggregate classification.

Literature cited by the submitters: PubMed 27062684 (cited by Ambry Genetics and Labcorp Genetics (formerly Invitae), Labcorp); PubMed 20104584 (cited by Labcorp Genetics (formerly Invitae), Labcorp).